The following is an entry in ClinVar:

GRCh38/hg38 11p14.3(chr11:22080659-22389549)x1

Genes: ANO5 (anoctamin 5; plus strand), SLC17A6 (solute carrier family 17 member 6; plus strand), SLC17A6-DT (SLC17A6 divergent transcript; minus strand), LOC126861161 (MED14-independent group 3 enhancer GRCh37_chr11:22306158-22307357; plus strand), LOC130005437 (ATAC-STARR-seq lymphoblastoid active region 4528; plus strand) and 6 more. Cytogenetic location: 11p14.3.
Variant type: copy number loss.
Change: copy number 1 (one copy instead of two) of chr11:22,080,659-22,389,549 (308.9 kb, GRCh38 coordinates, 1-based), cytogenetic band 11p14.3.
Identifiers: ClinVar variation 57152 (VCV000057152.1).

ClinVar aggregate classification (germline): Pathogenic (1 of 4 stars; one submission).

Submission:

ISCA site 4
Classification: Pathogenic. Last evaluated: 2011-08-12. Review status: criteria provided, single submitter. Criteria: Kaminsky et al. (Genet Med. 2011). Collection method: clinical testing. Allele origin: unknown. Affected: yes. Observed: 1 variant allele.
Comment: Copy number variation identified through the course of routine clinical cytogenomic testing in postnatal populations. Clinical assertions have been curated as described in Kaminsky et al. 2011.